The following is an entry in ClinVar:

NM_177965.4(CFAP418):c.563T>C (p.Ile188Thr)

Gene: CFAP418 (cilia and flagella associated protein 418; minus strand). Cytogenetic location: 8q22.1.
Variant type: single nucleotide variant.
Coding change: c.563T>C on transcript NM_177965.4 (MANE Select); coding-DNA position 563, T replaced by C.
Protein change: p.Ile188Thr; replaces isoleucine 188 with threonine.
Molecular consequence: missense variant.
Genome position (GRCh38, 1-based): chr8:95,247,678, A>G on the plus strand (T>C on the coding strand, the complement: CFAP418 is on the minus strand). VCF-style: chr8-95247678-A-G. GRCh37 (hg19) VCF-style: chr8-96259906-A-G.
Other names: c.467T>C, p.Ile156Thr (NM_001363260.1); short protein forms I156T, I188T.
Identifiers: ClinVar variation 1008117 (VCV001008117.8), dbSNP rs781147931, ClinGen allele CA4815112.

ClinVar aggregate classification (germline): Uncertain significance (1 of 4 stars; one submission).

Allele frequency attached by ClinVar (database versions not stated): gnomAD exomes below 0.00001 and 0.00001; ExAC 0.00002; TOPMed 0.00002; gnomAD 0.00003.
gnomAD v4.1: 11 of 1,614,082 alleles (0.00068%); highest among the groups gnomAD compares: East Asian, 0.0022%; no homozygotes.

Submission:

Labcorp Genetics (formerly Invitae), Labcorp
Classification: Uncertain significance. Last evaluated: 2024-10-23. Review status: criteria provided, single submitter. Criteria: Invitae Variant Classification Sherloc (09022015). Collection method: clinical testing. Allele origin: germline.
Comment: This sequence change replaces isoleucine, which is neutral and non-polar, with threonine, which is neutral and polar, at codon 188 of the C8orf37 protein (p.Ile188Thr). This variant is present in population databases (rs781147931, gnomAD 0.003%). This variant has not been reported in the literature in individuals affected with C8orf37-related conditions. ClinVar contains an entry for this variant (Variation ID: 1008117). An algorithm developed to predict the effect of missense changes on protein structure and function (PolyPhen-2) suggests that this variant is likely to be disruptive. In summary, the available evidence is currently insufficient to determine the role of this variant in disease. Therefore, it has been classified as a Variant of Uncertain Significance.